The following is an entry in ClinVar:

NM_000173.7(GP1BA):c.732C>T (p.Tyr244=)

Gene: GP1BA (glycoprotein Ib platelet subunit alpha; plus strand). Cytogenetic location: 17p13.2.
Variant type: single nucleotide variant.
Coding change: c.732C>T on transcript NM_000173.7 (MANE Select); coding-DNA position 732, C replaced by T.
Protein change: p.Tyr244=; no amino-acid change (tyrosine 244 retained).
Molecular consequence: synonymous variant.
Genome position (GRCh38, 1-based): chr17:4,933,336, C>T. VCF-style: chr17-4933336-C-T. GRCh37 (hg19) VCF-style: chr17-4836631-C-T.
Identifiers: ClinVar variation 993967 (VCV000993967.27), dbSNP rs200381725, ClinGen allele CA8314823.

ClinVar aggregate classification (germline): Likely benign. Review status: criteria provided, multiple submitters, no conflicts (2 of 4 stars). 6 submissions from 6 submitters: Likely benign (6). Last evaluated 2026-01-18.

Allele frequency attached by ClinVar (database versions not stated): ExAC 0.00094; gnomAD exomes 0.00097 and 0.00179; gnomAD 0.00099 and 0.00102; TOPMed 0.00100; ESP Exome Variant Server 0.00167.

Submissions (6):

Labcorp Genetics (formerly Invitae), Labcorp
Classification: Likely benign. Last evaluated: 2026-01-18. Review status: criteria provided, single submitter. Criteria: Invitae Variant Classification Sherloc (09022015). Collection method: clinical testing. Allele origin: germline.

CeGaT Center for Human Genetics Tuebingen
Classification: Likely benign. Last evaluated: 2025-02-01. Review status: criteria provided, single submitter. Criteria: CeGaT Center For Human Genetics Tuebingen Variant Classification Criteria Version 2. Collection method: clinical testing. Allele origin: germline. Affected: yes. Observed: 1 variant allele.
Comment: GP1BA: BP4, BP7

Blueprint Genetics
Classification: Likely benign. Last evaluated: 2024-11-11. Review status: criteria provided, single submitter. Criteria: ACMG Guidelines, 2015. Collection method: clinical testing. Allele origin: germline.

Women's Health and Genetics/Laboratory Corporation of America, LabCorp
Classification: Likely benign. Last evaluated: 2024-09-10. Review status: criteria provided, single submitter. Criteria: LabCorp Variant Classification Summary - May 2015. Collection method: clinical testing. Allele origin: germline.

Genetic Services Laboratory, University of Chicago
Classification: Likely benign. Last evaluated: 2020-06-10. Review status: criteria provided, single submitter. Criteria: ACMG Guidelines, 2015. Collection method: clinical testing. Allele origin: germline. Affected: no.

ARUP Laboratories, Molecular Genetics and Genomics, ARUP Laboratories
Classification: Likely benign. Last evaluated: 2020-01-05. Review status: criteria provided, single submitter. Criteria: ARUP Molecular Germline Variant Investigation Process. Collection method: clinical testing. Allele origin: germline.